The following is an entry in ClinVar:

ClinVar aggregate classification (germline): Likely benign. Review status: criteria provided, multiple submitters, no conflicts (2 of 4 stars). 4 submissions from 4 submitters: Likely benign (4). Last evaluated 2025-11-09.

Conditions:
Hereditary spastic paraplegia 10 (SPG10). Also called: SPASTIC PARAPLEGIA 10, AUTOSOMAL DOMINANT; SPASTIC PARAPLEGIA 10 WITH OR WITHOUT PERIPHERAL NEUROPATHY; SPASTIC PARAPLEGIA 10 WITH PERIPHERAL NEUROPATHY. Identifiers: Orphanet 100991, MedGen C1858712, MONDO:0011408, OMIM 604187.
Spastic paraplegia. Identifiers: MedGen C0037772, HP:0001258.

Allele frequency attached by ClinVar (database versions not stated): gnomAD 0.00003; TOPMed 0.00003; ESP Exome Variant Server 0.00008; ExAC 0.00015.
gnomAD v4.1: 182 of 1,613,568 alleles (0.011%); highest among the groups gnomAD compares: Non-Finnish European, 0.014%; no homozygotes.

Submissions (4):

Labcorp Genetics (formerly Invitae), Labcorp
Classification: Likely benign for Spastic paraplegia. Last evaluated: 2025-11-09. Review status: criteria provided, single submitter. Criteria: Invitae Variant Classification Sherloc (09022015). Collection method: clinical testing. Allele origin: germline.

CeGaT Center for Human Genetics Tuebingen
Classification: Likely benign. Last evaluated: 2022-10-01. Review status: criteria provided, single submitter. Criteria: CeGaT Center For Human Genetics Tuebingen Variant Classification Criteria Version 2. Collection method: clinical testing. Allele origin: germline. Affected: yes. Observed: 2 variant alleles.
Comment: KIF5A: BP4, BP7

Blueprint Genetics
Classification: Likely benign. Last evaluated: 2022-07-17. Review status: criteria provided, single submitter. Criteria: ACMG Guidelines, 2015. Collection method: clinical testing. Allele origin: germline.

Illumina Laboratory Services, Illumina
Classification: Likely benign for Hereditary spastic paraplegia 10. Last evaluated: 2018-01-12. Review status: criteria provided, single submitter. Criteria: ICSL Variant Classification Criteria 13 December 2019. Collection method: clinical testing. Allele origin: germline.
Comment: This variant was observed in the ICSL laboratory as part of a predisposition screen in an ostensibly healthy population. It had not been previously curated by ICSL or reported in the Human Gene Mutation Database (HGMD: prior to June 1st, 2018), and was therefore a candidate for classification through an automated scoring system. Utilizing variant allele frequency, disease prevalence and penetrance estimates, and inheritance mode, an automated score was calculated to assess if this variant is too frequent to cause the disease. Based on the score and internal cut-off values, a variant classified as likely benign is not then subjected to further curation. The score for this variant resulted in a classification of likely benign for this disease.

NM_004984.4(KIF5A):c.1866C>T (p.Thr622=)

Gene: KIF5A (kinesin family member 5A; plus strand). Cytogenetic location: 12q13.3.
Variant type: single nucleotide variant.
Coding change: c.1866C>T on transcript NM_004984.4 (MANE Select); coding-DNA position 1866, C replaced by T.
Protein change: p.Thr622=; no amino-acid change (threonine 622 retained).
Molecular consequence: synonymous variant.
Genome position (GRCh38, 1-based): chr12:57,575,233, C>T. VCF-style: chr12-57575233-C-T. GRCh37 (hg19) VCF-style: chr12-57969016-C-T.
Other names: c.1599C>T, p.Thr533= (NM_001354705.2).
Identifiers: ClinVar variation 309940 (VCV000309940.37), dbSNP rs144382702, ClinGen allele CA6652925.